The following is an entry in ClinVar:

NM_016507.4(CDK12):c.1121G>T (p.Arg374Ile)

Gene: CDK12 (cyclin dependent kinase 12; plus strand). Cytogenetic location: 17q12.
Variant type: single nucleotide variant.
Coding change: c.1121G>T on transcript NM_016507.4 (MANE Select); coding-DNA position 1121, G replaced by T.
Protein change: p.Arg374Ile; replaces arginine 374 with isoleucine.
Molecular consequence: missense variant.
Genome position (GRCh38, 1-based): chr17:39,470,953, G>T. VCF-style: chr17-39470953-G-T. GRCh37 (hg19) VCF-style: chr17-37627206-G-T.
Other names: c.1121G>T, p.Arg374Ile (NM_015083.4); short protein forms R374I.
Identifiers: ClinVar variation 4825955 (VCV004825955.1).

ClinVar aggregate classification (germline): Uncertain significance (1 of 4 stars; one submission).

Submission:

Ambry Genetics
Classification: Uncertain significance. Last evaluated: 2026-03-11. Review status: criteria provided, single submitter. Criteria: Ambry Variant Classification Scheme 2023. Collection method: clinical testing. Allele origin: germline.
Comment: The p.R374I variant (also known as c.1121G>T), located in coding exon 2 of the CDK12 gene, results from a G to T substitution at nucleotide position 1121. The arginine at codon 374 is replaced by isoleucine, an amino acid with similar properties. This amino acid position is conserved. In addition, this alteration is predicted to be tolerated by in silico analysis. Based on the available evidence, the clinical significance of this variant remains unclear.